The following is an entry in ClinVar:

ClinVar aggregate classification (germline): Uncertain significance (1 of 4 stars; one submission).

Submission:

Women's Health and Genetics/Laboratory Corporation of America, LabCorp
Classification: Uncertain significance. Last evaluated: 2026-04-06. Review status: criteria provided, single submitter. Criteria: LabCorp Variant Classification Summary - May 2015. Collection method: clinical testing. Allele origin: germline.
Comment: Variant summary: CACNA1D c.1087A>T (p.Met363Leu) results in a conservative amino acid change in the encoded protein sequence. Algorithms developed to predict the effect of missense changes on protein structure and function are either unavailable or do not agree on the potential impact of this missense change. The variant was absent in 251054 control chromosomes. The available data on variant occurrences in the general population are insufficient to allow any conclusion about variant significance. To our knowledge, no occurrence of c.1087A>T in individuals affected with CACNA1D-related conditions and no experimental evidence demonstrating its impact on protein function have been reported. No submitters have cited clinical-significance assessments for this variant to ClinVar. Based on the evidence outlined above, the variant was classified as uncertain significance.

NM_001128840.3(CACNA1D):c.1087A>T (p.Met363Leu)

Gene: CACNA1D (calcium voltage-gated channel subunit alpha1 D; plus strand). Cytogenetic location: 3p21.1.
Variant type: single nucleotide variant.
Coding change: c.1087A>T on transcript NM_001128840.3 (MANE Select); coding-DNA position 1087, A replaced by T.
Protein change: p.Met363Leu; replaces methionine 363 with leucine.
Molecular consequence: missense variant.
Genome position (GRCh38, 1-based): chr3:53,666,506, A>T. VCF-style: chr3-53666506-A-T. GRCh37 (hg19) VCF-style: chr3-53700533-A-T.
Other names: c.1087A>T, p.Met363Leu (NM_000720.4, NM_001128839.3); short protein forms M363L.
Identifiers: ClinVar variation 4848883 (VCV004848883.1).